The following is an entry in ClinVar:

NM_001032283.3(TMPO):c.565+1168A>T

Gene: TMPO (thymopoietin; plus strand). Cytogenetic location: 12q23.1.
Variant type: single nucleotide variant.
Coding change: c.565+1168A>T on transcript NM_001032283.3 (MANE Select); 1168 bases into the intron after coding-DNA position 565, A replaced by T.
Molecular consequence: intron variant. On other transcripts: missense variant (1).
Genome position (GRCh38, 1-based): chr12:98,533,006, A>T. VCF-style: chr12-98533006-A-T. GRCh37 (hg19) VCF-style: chr12-98926784-A-T.
Other names: c.749A>T, p.Asp250Val (NM_003276.2); c.565+1168A>T (NM_001307975.2, NM_001032284.3); short protein forms D250V.
Identifiers: ClinVar variation 1306383 (VCV001306383.6), dbSNP rs370585407, ClinGen allele CA6732279.

ClinVar aggregate classification (germline): Uncertain significance. Review status: criteria provided, multiple submitters, no conflicts (2 of 4 stars). 3 submissions from 3 submitters: Uncertain significance (3). Last evaluated 2024-12-14.

Conditions:
Loeys-Dietz syndrome 2 (LDS2). Also called: Marfan syndrome, type 2 (formerly); TGFBR2-Related Loeys-Dietz Syndrome; AORTIC ANEURYSM, FAMILIAL THORACIC 3; MARFAN SYNDROME, TYPE II; Marfan Syndrome type 2; Marfan like connective tissue disorder. Identifiers: Orphanet 284973, Orphanet 558, MedGen C2674574, MONDO:0012427, OMIM 610168.

Allele frequency attached by ClinVar (database versions not stated): gnomAD exomes below 0.00001; ExAC 0.00001; ESP Exome Variant Server 0.00008.
gnomAD v4.1: 5 of 1,613,874 alleles (0.00031%); highest among the groups gnomAD compares: Non-Finnish European, 0.00034%; no homozygotes.

Submissions (3):

Ambry Genetics
Classification: Uncertain significance. Last evaluated: 2024-12-14. Review status: criteria provided, single submitter. Criteria: Ambry Variant Classification Scheme 2023. Collection method: clinical testing. Allele origin: germline.
Comment: The p.D250V variant (also known as c.749A>T), located in coding exon 4 of the TMPO gene, results from an A to T substitution at nucleotide position 749. The aspartic acid at codon 250 is replaced by valine, an amino acid with highly dissimilar properties. This amino acid position is conserved. In addition, this alteration is predicted to be tolerated by in silico analysis. Based on the available evidence, the clinical significance of this variant remains unclear.

Labcorp Genetics (formerly Invitae), Labcorp
Classification: Uncertain significance for Loeys-Dietz syndrome 2. Last evaluated: 2024-06-21. Review status: criteria provided, single submitter. Criteria: Invitae Variant Classification Sherloc (09022015). Collection method: clinical testing. Allele origin: germline.
Comment: This sequence change replaces aspartic acid, which is acidic and polar, with valine, which is neutral and non-polar, at codon 250 of the TMPO protein (p.Asp250Val). This variant is present in population databases (rs370585407, gnomAD 0.0009%). This variant has not been reported in the literature in individuals affected with TMPO-related conditions. ClinVar contains an entry for this variant (Variation ID: 1306383). Advanced modeling of protein sequence and biophysical properties (such as structural, functional, and spatial information, amino acid conservation, physicochemical variation, residue mobility, and thermodynamic stability) performed at Invitae indicates that this missense variant is not expected to disrupt TMPO protein function with a negative predictive value of 80%. In summary, the available evidence is currently insufficient to determine the role of this variant in disease. Therefore, it has been classified as a Variant of Uncertain Significance.

GeneDx
Classification: Uncertain significance. Last evaluated: 2019-06-05. Review status: criteria provided, single submitter. Criteria: GeneDx Variant Classification Process June 2021. Collection method: clinical testing. Allele origin: germline. Affected: yes.
Comment: Has not been previously published as pathogenic or benign to our knowledge; Not observed in large population cohorts (Lek et al., 2016); In silico analysis, which includes protein predictors and evolutionary conservation, supports that this variant does not alter protein structure/function